The following is an entry in ClinVar:

ClinVar aggregate classification (germline): Uncertain significance (1 of 4 stars; one submission).

Conditions:
Long QT syndrome (LQTS). Identifiers: MedGen C0023976, MeSH D008133, MONDO:0002442. Disease mechanism: loss of function. Inheritance: Various modes of inheritance.

Submission:

Labcorp Genetics (formerly Invitae), Labcorp
Classification: Uncertain significance for Long QT syndrome. Last evaluated: 2025-01-11. Review status: criteria provided, single submitter. Criteria: Invitae Variant Classification Sherloc (09022015). Collection method: clinical testing. Allele origin: germline.
Comment: This sequence change replaces alanine, which is neutral and non-polar, with valine, which is neutral and non-polar, at codon 746 of the KCNH2 protein (p.Ala746Val). This variant is not present in population databases (gnomAD no frequency). This variant has not been reported in the literature in individuals affected with KCNH2-related conditions. An algorithm developed to predict the effect of missense changes on protein structure and function (PolyPhen-2) suggests that this variant is likely to be disruptive. In summary, the available evidence is currently insufficient to determine the role of this variant in disease. Therefore, it has been classified as a Variant of Uncertain Significance.

NM_000238.4(KCNH2):c.2237C>T (p.Ala746Val)

Gene: KCNH2 (potassium voltage-gated channel subfamily H member 2; minus strand). Cytogenetic location: 7q36.1.
Variant type: single nucleotide variant.
Coding change: c.2237C>T on transcript NM_000238.4 (MANE Select); coding-DNA position 2237, C replaced by T.
Protein change: p.Ala746Val; replaces alanine 746 with valine.
Molecular consequence: missense variant. On other transcripts: non-coding transcript variant (2).
Genome position (GRCh38, 1-based): chr7:150,950,329, G>A on the plus strand (C>T on the coding strand, the complement: KCNH2 is on the minus strand). VCF-style: chr7-150950329-G-A. GRCh37 (hg19) VCF-style: chr7-150647417-G-A.
Other names: c.1217C>T, p.Ala406Val (NM_001204798.2, NM_172057.3); c.1949C>T, p.Ala650Val (NM_001406753.1, NM_001406756.1); c.2060C>T, p.Ala687Val (NM_001406755.1); c.1937C>T, p.Ala646Val (NM_001406757.1); c.2237C>T, p.Ala746Val (NM_172056.3); short protein forms A650V, A746V, A646V, A406V, A687V.
Identifiers: ClinVar variation 3728781 (VCV003728781.2).
Genomic context (GRCh38, chr7:150,950,329, plus strand): 5'-CCTGGCGGTGCATGTGTGGTCTTGAACTTCATGGCCAGGGCCCGAAGGCAGCCCTTGGTG[G>A]CCCCTCGGAAGGGTTTGCAGTGCTGCAGCAGTGAGCGGTTCAGGTGCAGGCAGATGTCAG-3'
Protein context (NP_000229.1, residues 736-756): LLQHCKPFRG[Ala746Val]TKGCLRALAM